The following is an entry in ClinVar:

ClinVar aggregate classification (germline): Benign/Likely benign. Review status: criteria provided, multiple submitters, no conflicts (2 of 4 stars). 3 submissions from 3 submitters: Benign (1); Likely benign (2). Last evaluated 2025-03-27.

Conditions:
Hereditary cancer-predisposing syndrome. Also called: Tumor predisposition; Neoplastic Syndromes, Hereditary; Hereditary Cancer Syndrome; Hereditary neoplastic syndrome. Identifiers: Orphanet 140162, MedGen C0027672, MeSH D009386, MONDO:0015356.
Peutz-Jeghers syndrome (PJS). Also called: POLYPOSIS, HAMARTOMATOUS INTESTINAL; POLYPS-AND-SPOTS SYNDROME; Peutz-Jeghers polyposis; Periorificial lentiginosis syndrome. Identifiers: Orphanet 2869, MedGen C0031269, MeSH D010580, MONDO:0008280, OMIM 175200.

Allele frequency attached by ClinVar (database versions not stated): TOPMed below 0.00001; gnomAD 0.00001.
gnomAD v4.1: 1 of 1,611,492 alleles (0.000062%); highest among the groups gnomAD compares: Non-Finnish European, 0.000085%; no homozygotes.

Submissions (3):

Myriad Genetics, Inc.
Classification: Benign for Peutz-Jeghers syndrome. Last evaluated: 2025-03-27. Review status: criteria provided, single submitter. Criteria: Myriad Autosomal Dominant, Autosomal Recessive and X-Linked Classification Criteria (2023). Collection method: clinical testing. Allele origin: unknown.
Comment: This variant is considered benign. This variant is a silent/synonymous amino acid change and it is not expected to impact splicing.

Labcorp Genetics (formerly Invitae), Labcorp
Classification: Likely benign for Peutz-Jeghers syndrome. Last evaluated: 2023-12-22. Review status: criteria provided, single submitter. Criteria: Invitae Variant Classification Sherloc (09022015). Collection method: clinical testing. Allele origin: germline.

Ambry Genetics
Classification: Likely benign for Hereditary cancer-predisposing syndrome. Last evaluated: 2017-03-21. Review status: criteria provided, single submitter. Criteria: Ambry Variant Classification Scheme 2023. Collection method: clinical testing. Allele origin: germline.

NM_000455.5(STK11):c.810G>C (p.Gly270=)

Gene: STK11 (serine/threonine kinase 11; plus strand). Cytogenetic location: 19p13.3.
Variant type: single nucleotide variant.
Coding change: c.810G>C on transcript NM_000455.5 (MANE Select); coding-DNA position 810, G replaced by C.
Protein change: p.Gly270=; no amino-acid change (glycine 270 retained).
Molecular consequence: synonymous variant.
Genome position (GRCh38, 1-based): chr19:1,221,288, G>C. VCF-style: chr19-1221288-G-C. GRCh37 (hg19) VCF-style: chr19-1221287-G-C.
Identifiers: ClinVar variation 487022 (VCV000487022.15), dbSNP rs1297520176, ClinGen allele CA504707215.